The following is an entry in ClinVar:

ClinVar aggregate classification (germline): Pathogenic (1 of 4 stars; one submission).

Conditions:
Congenital myasthenic syndrome (CMS). Also called: Congenital Myasthenic Syndromes. Identifiers: Orphanet 590, MedGen C0751882, MeSH D020294, MONDO:0018940.

Submission:

Myriad Genetics, Inc.
Classification: Pathogenic for Congenital myasthenic syndrome. Last evaluated: 2026-05-14. Review status: criteria provided, single submitter. Criteria: Myriad Autosomal Dominant, Autosomal Recessive and X-Linked Classification Criteria (2023). Collection method: clinical testing. Allele origin: unknown.
Comment: NM_000080.3(CHRNE):c.1197_1198insGT(H400Vfs*29) is a frameshift variant classified as pathogenic in the context of congenital myasthenic syndrome, CHRNE-related. H400Vfs*29 has not been observed in cases with relevant disease. Relevant functional assessments of this variant are not available in the literature. H400Vfs*29 has not been observed in referenced population frequency databases. In summary, NM_000080.3(CHRNE):c.1197_1198insGT(H400Vfs*29) is a frameshift variant in a gene where loss of function is a known mechanism of disease and is predicted to disrupt protein function. Please note: this variant was assessed in the context of healthy population screening.

NM_000080.4(CHRNE):c.1197_1198insGT (p.His400fs)

Genes: CHRNE (cholinergic receptor nicotinic epsilon subunit; minus strand), LOC130060040 (ATAC-STARR-seq lymphoblastoid silent region 8049; plus strand). Cytogenetic location: 17p13.2.
Variant type: Insertion.
Coding change: c.1197_1198insGT on transcript NM_000080.4 (MANE Select); coding-DNA positions 1197 to 1198, GT inserted.
Protein change: p.His400fs; shifts the reading frame from histidine 400.
Molecular consequence: frameshift variant.
Genome position: GRCh38 VCF-style: chr17-4899219-G-GAC. GRCh37 (hg19) VCF-style: chr17-4802514-G-GAC.
Other names: short protein forms H400fs.
Identifiers: ClinVar variation 5004677 (VCV005004677.1).